The following is an entry in ClinVar:

NM_016373.4(WWOX):c.957C>T (p.Asn319=)

Gene: WWOX (WW domain containing oxidoreductase; plus strand). Cytogenetic location: 16q23.1.
Variant type: single nucleotide variant.
Coding change: c.957C>T on transcript NM_016373.4 (MANE Select); coding-DNA position 957, C replaced by T.
Protein change: p.Asn319=; no amino-acid change (asparagine 319 retained).
Molecular consequence: synonymous variant.
Genome position (GRCh38, 1-based): chr16:78,432,653, C>T. VCF-style: chr16-78432653-C-T. GRCh37 (hg19) VCF-style: chr16-78466550-C-T.
Other names: c.618C>T, p.Asn206= (NM_001291997.2).
Identifiers: ClinVar variation 380955 (VCV000380955.17), dbSNP rs144417100, ClinGen allele CA8183577.

ClinVar aggregate classification (germline): Likely benign. Review status: criteria provided, multiple submitters, no conflicts (2 of 4 stars). 4 submissions from 4 submitters: Likely benign (4). Last evaluated 2026-04-01.

Conditions:
Autosomal recessive spinocerebellar ataxia 12. Also called: SPINOCEREBELLAR ATAXIA WITH MENTAL RETARDATION AND EPILEPSY. Identifiers: Orphanet 284282, MedGen C3280452, MONDO:0013687, OMIM 614322.
Developmental and epileptic encephalopathy, 1 (DEE1). Also called: OHTAHARA SYNDROME, X-LINKED; X-linked infantile spasms; West's syndrome; Tonic spasms with clustering, arrest of psychomotor development and hypsarrhythmia on EEG; X-Linked Infantile Spasm Syndrome; Epileptic encephalopathy, early infantile, 1. Identifiers: MedGen C3463992, MONDO:0010632, OMIM 308350. Disease mechanism: loss of function.

Allele frequency attached by ClinVar (database versions not stated): gnomAD exomes 0.00012 and 0.00028; ExAC 0.00032; 1000 Genomes Project 30x 0.00047; gnomAD 0.00051 and 0.00054; 1000 Genomes Project 0.00060; TOPMed 0.00063; ESP Exome Variant Server 0.00079.
gnomAD v4.1: 269 of 1,614,222 alleles (0.017%); highest among the groups gnomAD compares: African/African-American, 0.17%; no homozygotes.

Submissions (4):

CeGaT Center for Human Genetics Tuebingen
Classification: Likely benign. Last evaluated: 2026-04-01. Review status: criteria provided, single submitter. Criteria: CeGaT Center For Human Genetics Tuebingen Variant Classification Criteria Version 2. Collection method: clinical testing. Allele origin: germline. Affected: yes. Observed: 1 variant allele.
Comment: WWOX: BP4, BP7

Labcorp Genetics (formerly Invitae), Labcorp
Classification: Likely benign for Developmental and epileptic encephalopathy, 1; Autosomal recessive spinocerebellar ataxia 12. Last evaluated: 2026-01-19. Review status: criteria provided, single submitter. Criteria: Invitae Variant Classification Sherloc (09022015). Collection method: clinical testing. Allele origin: germline.

Blueprint Genetics
Classification: Likely benign. Last evaluated: 2024-06-27. Review status: criteria provided, single submitter. Criteria: ACMG Guidelines, 2015. Collection method: clinical testing. Allele origin: germline.

GeneDx
Classification: Likely benign. Last evaluated: 2021-01-06. Review status: criteria provided, single submitter. Criteria: GeneDx Variant Classification Process June 2021. Collection method: clinical testing. Allele origin: germline. Affected: yes.